The following is an entry in ClinVar:

NM_006514.4(SCN10A):c.4282-211C>T

Gene: SCN10A (sodium voltage-gated channel alpha subunit 10; minus strand). Cytogenetic location: 3p22.2.
Variant type: single nucleotide variant.
Coding change: c.4282-211C>T on transcript NM_006514.4 (MANE Select); 211 bases into the intron before coding-DNA position 4282, C replaced by T.
Molecular consequence: intron variant.
Genome position (GRCh38, 1-based): chr3:38,707,594, G>A on the plus strand (C>T on the coding strand, the complement: SCN10A is on the minus strand). VCF-style: chr3-38707594-G-A. GRCh37 (hg19) VCF-style: chr3-38749085-G-A.
Other names: c.3988-211C>T (NM_001293307.2); c.4279-211C>T (NM_001293306.2).
Identifiers: ClinVar variation 675429 (VCV000675429.1), dbSNP rs112208946, ClinGen allele CA72948502.

ClinVar aggregate classification (germline): Likely benign (1 of 4 stars; one submission).

Allele frequency attached by ClinVar (database versions not stated): 1000 Genomes Project 30x 0.00500; 1000 Genomes Project 0.00519; gnomAD 0.00645 and 0.00680; TOPMed 0.00724.

Submission:

GeneDx
Classification: Likely benign. Last evaluated: 2018-06-16. Review status: criteria provided, single submitter. Criteria: GeneDx Variant Classification (06012015). Collection method: clinical testing. Allele origin: germline. Affected: yes.
Comment: This variant is considered likely benign or benign based on one or more of the following criteria: it is a conservative change, it occurs at a poorly conserved position in the protein, it is predicted to be benign by multiple in silico algorithms, and/or has population frequency not consistent with disease.